The following is an entry in ClinVar:

ClinVar aggregate classification (germline): Uncertain significance. Review status: criteria provided, multiple submitters, no conflicts (2 of 4 stars). 2 submissions from 2 submitters: Uncertain significance (2). Last evaluated 2025-12-10.

Conditions:
Inborn genetic diseases. Identifiers: MedGen C0950123, MeSH D030342.
Anterior segment dysgenesis 3 (ASGD3). Also called: IRIDOGONIODYSGENESIS ANOMALY, AUTOSOMAL DOMINANT; Glaucoma iridogoniodysplasia, familial. Identifiers: Orphanet 91483, MedGen C5975707, MONDO:0024456, OMIM 601631.
Axenfeld-Rieger syndrome type 3 (RIEG3). Also called: AXENFELD-RIEGER ANOMALY WITH CARDIAC DEFECTS AND/OR SENSORINEURAL HEARING LOSS. Identifiers: Orphanet 782, MedGen C2678503, MONDO:0011233, OMIM 602482.

gnomAD v4.1: 9 of 1,612,928 alleles (0.00056%); highest among the groups gnomAD compares: Non-Finnish European, 0.00076%; no homozygotes.

Submissions (2):

Ambry Genetics
Classification: Uncertain significance for Inborn genetic diseases. Last evaluated: 2025-12-10. Review status: criteria provided, single submitter. Criteria: Ambry Variant Classification Scheme 2023. Collection method: clinical testing. Allele origin: germline.
Comment: The c.538G>A (p.V180M) alteration is located in exon 1 (coding exon 1) of the FOXC1 gene. This alteration results from a G to A substitution at nucleotide position 538, causing the valine (V) at amino acid position 180 to be replaced by a methionine (M). Based on data from gnomAD, the A allele has an overall frequency of <0.001% (1/248742) total alleles studied. The highest observed frequency was 0.001% (1/111880) of European (non-Finnish) alleles. Based on insufficient or conflicting evidence, the clinical significance of this alteration remains unclear.

Fulgent Genetics
Classification: Uncertain significance for Anterior segment dysgenesis 3; Axenfeld-Rieger syndrome type 3. Last evaluated: 2024-02-06. Review status: criteria provided, single submitter. Criteria: ACMG Guidelines, 2015. Collection method: clinical testing. Allele origin: germline.

NM_001453.3(FOXC1):c.538G>A (p.Val180Met)

Gene: FOXC1 (forkhead box C1; plus strand). Cytogenetic location: 6p25.3.
Variant type: single nucleotide variant.
Coding change: c.538G>A on transcript NM_001453.3 (MANE Select); coding-DNA position 538, G replaced by A.
Protein change: p.Val180Met; replaces valine 180 with methionine.
Molecular consequence: missense variant.
Genome position (GRCh38, 1-based): chr6:1,610,983, G>A. VCF-style: chr6-1610983-G-A. GRCh37 (hg19) VCF-style: chr6-1611218-G-A.
Other names: c.538G>A (NM_001453.2); short protein forms V180M.
Identifiers: ClinVar variation 3593280 (VCV003593280.2).